The following is an entry in ClinVar:

ClinVar aggregate classification (germline): Uncertain significance (1 of 4 stars; one submission).

Conditions:
Hyperuricemic nephropathy, familial juvenile type 4 (ADTKD5). Identifiers: MedGen C4310741, MONDO:0014891, OMIM 617056.

gnomAD v4.1: 13 of 1,613,496 alleles (0.00081%); highest among the groups gnomAD compares: Middle Eastern, 0.017%; no homozygotes.

Submission:

Juno Genomics, Hangzhou Juno Genomics, Inc
Classification: Uncertain significance for Hyperuricemic nephropathy, familial juvenile type 4. Review status: criteria provided, single submitter. Criteria: ACMG Guidelines, 2015. Collection method: clinical testing. Allele origin: germline. Affected: yes.
Comment: Absent from controls (or at extremely low frequency if recessive) in Genome Aggregation Database, Exome Sequencing Project, 1000 Genomes Project, or Exome Aggregation Consortium.;Multiple lines of computational evidence support a deleterious effect on the gene or gene product (conservation, evolutionary, splicing impact, etc).;Missense variant in a gene that has a low rate of benign missense variation and where missense variants are a common mechanism of disease.

NM_013336.4(SEC61A1):c.376G>A (p.Gly126Ser)

Gene: SEC61A1 (SEC61 translocon subunit alpha 1; plus strand). Cytogenetic location: 3q21.3.
Variant type: single nucleotide variant.
Coding change: c.376G>A on transcript NM_013336.4 (MANE Select); coding-DNA position 376, G replaced by A.
Protein change: p.Gly126Ser; replaces glycine 126 with serine.
Molecular consequence: missense variant.
Genome position (GRCh38, 1-based): chr3:128,060,125, G>A. VCF-style: chr3-128060125-G-A. GRCh37 (hg19) VCF-style: chr3-127778968-G-A.
Other names: c.394G>A, p.Gly132Ser (NM_001400328.1); c.217G>A, p.Gly73Ser (NM_001400329.1); short protein forms G126S, G132S, G73S.
Identifiers: ClinVar variation 3381990 (VCV003381990.2).